The following is an entry in ClinVar:

NM_173086.5(KRT6C):c.1023C>T (p.Tyr341=)

Gene: KRT6C (keratin 6C; minus strand). Cytogenetic location: 12q13.13.
Variant type: single nucleotide variant.
Coding change: c.1023C>T on transcript NM_173086.5 (MANE Select); coding-DNA position 1023, C replaced by T.
Protein change: p.Tyr341=; no amino-acid change (tyrosine 341 retained).
Molecular consequence: synonymous variant.
Genome position (GRCh38, 1-based): chr12:52,471,186, G>A on the plus strand (C>T on the coding strand, the complement: KRT6C is on the minus strand). VCF-style: chr12-52471186-G-A. GRCh37 (hg19) VCF-style: chr12-52864970-G-A.
Other names: c.1023C>T (NM_173086.4).
Identifiers: ClinVar variation 1632336 (VCV001632336.10), dbSNP rs11540289, ClinGen allele CA6581297.
Genomic context (GRCh38, chr12:52,471,186, plus strand): 5'-GCTCACCTTGGTCTGGTACCAGGACTCAGCCTCAGCCCGGCTCCTCTGAGCAATCTCCTC[G>A]TATTGGGCCTTGACCTCAGCGATGATGCTGTCCAGGTCCAGGTTGCGGTTGTTGTCCATG-3'
Protein context (NP_775109.2, residues 331-351): DSIIAEVKAQ[Tyr341=]EEIAQRSRAE

ClinVar aggregate classification (germline): Benign. Review status: criteria provided, single submitter (1 of 4 stars). 2 submissions from 2 submitters: Benign (1). 1 of the submissions does not count toward it. Last evaluated 2025-12-16.

Conditions:
KRT6C-related disorder. Also called: KRT6C-related condition.

Allele frequency attached by ClinVar (database versions not stated): ESP Exome Variant Server 0.00062; TOPMed 0.00087; ExAC 0.00258; gnomAD 0.00272; gnomAD exomes 0.00303; 1000 Genomes Project 30x 0.00328.
gnomAD v4.1: 2,742 of 1,613,958 alleles (0.17%); highest among the groups gnomAD compares: East Asian, 0.85%; 29 homozygotes.

Submissions (2):

Labcorp Genetics (formerly Invitae), Labcorp
Classification: Benign. Last evaluated: 2025-12-16. Review status: criteria provided, single submitter. Criteria: Invitae Variant Classification Sherloc (09022015). Collection method: clinical testing. Allele origin: germline.

PreventionGenetics, part of Exact Sciences
Classification: Benign for KRT6C-related condition. Last evaluated: 2024-01-19. Review status: no assertion criteria provided. Collection method: clinical testing. Allele origin: germline. Not counted in ClinVar's aggregate classification.
Comment: This variant is classified as benign based on ACMG/AMP sequence variant interpretation guidelines (Richards et al. 2015 PMID: 25741868, with internal and published modifications).